The following is an entry in ClinVar:

NC_000017.11:g.44393555C>T

Gene: ITGA2B (integrin subunit alpha 2b; minus strand). Cytogenetic location: 17q21.31.
Variant type: single nucleotide variant.
Genome position: GRCh38 VCF-style: chr17-44393555-C-T. GRCh37 (hg19) VCF-style: chr17-42470923-C-T.
Identifiers: ClinVar variation 953025 (VCV000953025.5), dbSNP rs2048710914, ClinGen allele CA913189168.

ClinVar aggregate classification (germline): Uncertain significance (3 of 4 stars; one submission).

Conditions:
Glanzmann thrombasthenia. Also called: THROMBASTHENIA OF GLANZMANN AND NAEGELI; Thrombasthenia; Glanzmann's thrombasthenia; PLATELET GLYCOPROTEIN IIb-IIIa DEFICIENCY. Identifiers: Orphanet 849, MedGen C0040015, MONDO:0100326.

Submission:

ClinGen Platelet Disorders Variant Curation Expert Panel, ClinGen
Classification: Uncertain significance for Glanzmann thrombasthenia. Last evaluated: 2026-01-20. Review status: reviewed by expert panel. Criteria: ClinGen Platelet ACMG Specifications v2-1. Collection method: curation. Allele origin: germline. Inheritance: Autosomal recessive inheritance.
Comment: NG_008331.1:g.951G>A is an ITGA2B promoter variant and is reported in GT patients, in cis with the pathogenic variant, Leu343Pro (PMIDs: 19170775, 19691478; BP2). This variant is absent from gnomAD v4.1 (PM2_Supporting). In summary, this variant meets the criteria to be classified as uncertain significance for autosomal recessive Glanzmann Thrombasthenia based on the ACMG/AMP criteria applied, as specified by the ClinGen PD VCEP: BP2, PM2_supporting (VCEP specifications version 2).

Literature cited by the submitters: PubMed 19170775; PubMed 19691478.